The following is an entry in ClinVar:

ClinVar aggregate classification (germline): Pathogenic (1 of 4 stars; one submission).

Conditions:
Dilated cardiomyopathy 1O (CMD1O). Also called: CARDIOMYOPATHY, DILATED, WITH VENTRICULAR TACHYCARDIA. Identifiers: Orphanet 154, MedGen C1837839, MONDO:0012062, OMIM 608569.

Submission:

Labcorp Genetics (formerly Invitae), Labcorp
Classification: Pathogenic for Dilated cardiomyopathy 1O. Last evaluated: 2025-03-05. Review status: criteria provided, single submitter. Criteria: Invitae Variant Classification Sherloc (09022015). Collection method: clinical testing. Allele origin: germline.
Comment: This sequence change creates a premature translational stop signal (p.Gln1196*) in the ABCC9 gene. It is expected to result in an absent or disrupted protein product. Loss-of-function variants in ABCC9 are known to be pathogenic (PMID: 31575858, 38217872). This variant is not present in population databases (gnomAD no frequency). This variant has not been reported in the literature in individuals affected with ABCC9-related conditions. ClinVar contains an entry for this variant (Variation ID: 2023230). For these reasons, this variant has been classified as Pathogenic.

Literature cited by the submitters: PubMed 31575858; PubMed 38217872.

NM_020297.4(ABCC9):c.3586C>T (p.Gln1196Ter)

Genes: ABCC9 (ATP binding cassette subfamily C member 9; minus strand), KCNJ8-AS1 (KCNJ8 antisense RNA 1; plus strand). Cytogenetic location: 12p12.1.
Variant type: single nucleotide variant.
Coding change: c.3586C>T on transcript NM_020297.4 (MANE Select); coding-DNA position 3586, C replaced by T.
Protein change: p.Gln1196Ter; replaces glutamine 1196 with a stop codon.
Molecular consequence: nonsense.
Genome position (GRCh38, 1-based): chr12:21,829,041, G>A on the plus strand (C>T on the coding strand, the complement: ABCC9 is on the minus strand). VCF-style: chr12-21829041-G-A. GRCh37 (hg19) VCF-style: chr12-21981975-G-A.
Other names: c.3586C>T, p.Gln1196Ter (NM_001377273.1, NM_005691.4); c.2719C>T, p.Gln907Ter (NM_001377274.1); short protein forms Q907*, Q1196*.
Identifiers: ClinVar variation 2023230 (VCV002023230.4), dbSNP rs2540964625, ClinGen allele CA384140332.